The following is an entry in ClinVar:

NM_005591.4(MRE11):c.1963A>G (p.Ile655Val)

Gene: MRE11 (MRE11 double strand break repair nuclease; minus strand). Cytogenetic location: 11q21.
Variant type: single nucleotide variant.
Coding change: c.1963A>G on transcript NM_005591.4 (MANE Select); coding-DNA position 1963, A replaced by G.
Protein change: p.Ile655Val; replaces isoleucine 655 with valine.
Molecular consequence: missense variant.
Genome position (GRCh38, 1-based): chr11:94,435,863, T>C on the plus strand (A>G on the coding strand, the complement: MRE11 is on the minus strand). VCF-style: chr11-94435863-T-C. GRCh37 (hg19) VCF-style: chr11-94169029-T-C.
Other names: c.1960A>G, p.Ile654Val (NM_001330347.2); c.1879A>G, p.Ile627Val (NM_005590.4); short protein forms I627V, I654V, I655V.
Identifiers: ClinVar variation 1681552 (VCV001681552.10), dbSNP rs770693038, ClinGen allele CA6234941.

ClinVar aggregate classification (germline): Uncertain significance. Review status: criteria provided, multiple submitters, no conflicts (2 of 4 stars). 2 submissions from 2 submitters: Uncertain significance (2). Last evaluated 2025-02-10.

Conditions:
Ataxia-telangiectasia-like disorder (ATLD). Identifiers: MedGen C1858391, MONDO:0011457.
Hereditary cancer-predisposing syndrome. Also called: Hereditary neoplastic syndrome; Neoplastic Syndromes, Hereditary; Tumor predisposition; Hereditary Cancer Syndrome. Identifiers: Orphanet 140162, MedGen C0027672, MeSH D009386, MONDO:0015356.

Allele frequency attached by ClinVar (database versions not stated): gnomAD exomes below 0.00001; ExAC 0.00001.
gnomAD v4.1: 2 of 1,613,912 alleles (0.00012%); highest among the groups gnomAD compares: East Asian, 0.0022%; no homozygotes.

Submissions (2):

Labcorp Genetics (formerly Invitae), Labcorp
Classification: Uncertain significance for Ataxia-telangiectasia-like disorder. Last evaluated: 2025-02-10. Review status: criteria provided, single submitter. Criteria: Invitae Variant Classification Sherloc (09022015). Collection method: clinical testing. Allele origin: germline.
Comment: This sequence change replaces isoleucine, which is neutral and non-polar, with valine, which is neutral and non-polar, at codon 655 of the MRE11 protein (p.Ile655Val). This variant is present in population databases (rs770693038, gnomAD 0.006%). This variant has not been reported in the literature in individuals affected with MRE11-related conditions. ClinVar contains an entry for this variant (Variation ID: 1681552). An algorithm developed to predict the effect of missense changes on protein structure and function outputs the following: PolyPhen-2: "Benign". The valine amino acid residue is found in multiple mammalian species, which suggests that this missense change does not adversely affect protein function. In summary, the available evidence is currently insufficient to determine the role of this variant in disease. Therefore, it has been classified as a Variant of Uncertain Significance.

Ambry Genetics
Classification: Uncertain significance for Hereditary cancer-predisposing syndrome. Last evaluated: 2023-06-25. Review status: criteria provided, single submitter. Criteria: Ambry Variant Classification Scheme 2023. Collection method: clinical testing. Allele origin: germline.
Comment: The p.I655V variant (also known as c.1963A>G), located in coding exon 17 of the MRE11A gene, results from an A to G substitution at nucleotide position 1963. The isoleucine at codon 655 is replaced by valine, an amino acid with highly similar properties. This amino acid position is not well conserved in available vertebrate species. In addition, this alteration is predicted to be tolerated by in silico analysis. Since supporting evidence is limited at this time, the clinical significance of this alteration remains unclear.